The following is an entry in ClinVar:

NM_020806.5(GPHN):c.2303G>A (p.Arg768Gln)

Gene: GPHN (gephyrin; plus strand). Cytogenetic location: 14q23.3.
Variant type: single nucleotide variant.
Coding change: c.2303G>A on transcript NM_020806.5 (MANE Select); coding-DNA position 2303, G replaced by A.
Protein change: p.Arg768Gln; replaces arginine 768 with glutamine.
Molecular consequence: missense variant.
Genome position (GRCh38, 1-based): chr14:67,180,930, G>A. VCF-style: chr14-67180930-G-A. GRCh37 (hg19) VCF-style: chr14-67647647-G-A.
Other names: c.2303G>A (NM_020806.4); c.2204G>A, p.Arg735Gln (NM_001024218.2); c.2363G>A, p.Arg788Gln (NM_001377514.1); c.2333G>A, p.Arg778Gln (NM_001377515.1); c.2324G>A, p.Arg775Gln (NM_001377516.1); c.2276G>A, p.Arg759Gln (NM_001377517.1); c.2261G>A, p.Arg754Gln (NM_001377518.1); c.2243G>A, p.Arg748Gln (NM_001377519.1); short protein forms R754Q, R788Q, R735Q, R748Q, R768Q, R759Q, R775Q, R778Q.
Identifiers: ClinVar variation 2160779 (VCV002160779.5), dbSNP rs2083296158, ClinGen allele CA390122772.

ClinVar aggregate classification (germline): Uncertain significance. Review status: criteria provided, multiple submitters, no conflicts (2 of 4 stars). 2 submissions from 2 submitters: Uncertain significance (2). Last evaluated 2025-09-08.

Conditions:
Inborn genetic diseases. Identifiers: MedGen C0950123, MeSH D030342.
Sulfite oxidase deficiency due to molybdenum cofactor deficiency type C. Also called: Molybdenum cofactor deficiency C; Molybdenum cofactor deficiency, complementation group C. Identifiers: Orphanet 308400, Orphanet 833, MedGen C1854990, MONDO:0014212, OMIM 615501.

Allele frequency attached by ClinVar (database versions not stated): gnomAD 0.00001; gnomAD exomes 0.00001; TOPMed 0.00002.
gnomAD v4.1: 12 of 1,613,786 alleles (0.00074%); highest among the groups gnomAD compares: African/African-American, 0.0013%; no homozygotes.

Submissions (2):

Labcorp Genetics (formerly Invitae), Labcorp
Classification: Uncertain significance for Sulfite oxidase deficiency due to molybdenum cofactor deficiency type C. Last evaluated: 2025-09-08. Review status: criteria provided, single submitter. Criteria: Invitae Variant Classification Sherloc (09022015). Collection method: clinical testing. Allele origin: germline.
Comment: This sequence change replaces arginine, which is basic and polar, with glutamine, which is neutral and polar, at codon 768 of the GPHN protein (p.Arg768Gln). This variant is not present in population databases (gnomAD no frequency). This variant has not been reported in the literature in individuals affected with GPHN-related conditions. ClinVar contains an entry for this variant (Variation ID: 2160779). Invitae Evidence Modeling of protein sequence and biophysical properties (such as structural, functional, and spatial information, amino acid conservation, physicochemical variation, residue mobility, and thermodynamic stability) indicates that this missense variant is not expected to disrupt GPHN protein function with a negative predictive value of 80%. In summary, the available evidence is currently insufficient to determine the role of this variant in disease. Therefore, it has been classified as a Variant of Uncertain Significance.

Ambry Genetics
Classification: Uncertain significance for Inborn genetic diseases. Last evaluated: 2022-03-11. Review status: criteria provided, single submitter. Criteria: Ambry Variant Classification Scheme 2023. Collection method: clinical testing. Allele origin: germline.